The following is an entry in ClinVar:

Conditions:
Long QT syndrome 5 (LQT5). Identifiers: Orphanet 101016, Orphanet 768, MedGen C1867904, MONDO:0013372, OMIM 613695.

Submission:

Roden Lab, Vanderbilt University Medical Center
No classification provided (evidence only). Condition: Long QT syndrome 5. Review status: no classification provided. Collection method: in vitro. Allele origin: not applicable. Functional consequence: Effect on ion channel function.
ClinVar note: "not provided" was previously submitted as the classification for the variant. However, the classification appeared to be based only on an observation of functional data so it was converted to no classification on 2025-07-30.

NM_000219.6(KCNE1):c.13A>T (p.Asn5Tyr)

Gene: KCNE1 (potassium voltage-gated channel subfamily E regulatory subunit 1; minus strand). Cytogenetic location: 21q22.12.
Variant type: single nucleotide variant.
Coding change: c.13A>T on transcript NM_000219.6 (MANE Select); coding-DNA position 13, A replaced by T.
Protein change: p.Asn5Tyr; replaces asparagine 5 with tyrosine.
Molecular consequence: missense variant.
Genome position (GRCh38, 1-based): chr21:34,449,622, T>A on the plus strand (A>T on the coding strand, the complement: KCNE1 is on the minus strand). VCF-style: chr21-34449622-T-A. GRCh37 (hg19) VCF-style: chr21-35821920-T-A.
Other names: c.13A>T, p.Asn5Tyr (NM_001127668.4, NM_001127669.4, NM_001127670.4 and 4 more transcripts); short protein forms N5Y.
Identifiers: ClinVar variation 3374138 (VCV003374138.2).